The following is an entry in ClinVar:

NM_003072.5(SMARCA4):c.1671A>G (p.Thr557=)

Gene: SMARCA4 (SWI/SNF related BAF chromatin remodeling complex subunit ATPase 4; plus strand). Cytogenetic location: 19p13.2.
Variant type: single nucleotide variant.
Coding change: c.1671A>G on transcript NM_003072.5 (MANE Select); coding-DNA position 1671, A replaced by G.
Protein change: p.Thr557=; no amino-acid change (threonine 557 retained).
Molecular consequence: synonymous variant. On other transcripts: non-coding transcript variant (1).
Genome position (GRCh38, 1-based): chr19:10,996,290, A>G. VCF-style: chr19-10996290-A-G. GRCh37 (hg19) VCF-style: chr19-11106966-A-G.
Other names: c.1671A>G, p.Thr557= (NM_001128844.3, NM_001128845.2, NM_001128846.2 and 5 more transcripts).
Identifiers: ClinVar variation 1616293 (VCV001616293.16), dbSNP rs2145971479, ClinGen allele CA505744103.
Genomic context (GRCh38, chr19:10,996,290, plus strand): 5'-GTACCGCAAGCTCATCGACCAGAAGAAGGACAAGCGCCTGGCCTACCTCTTGCAGCAGAC[A>G]GACGAGTACGTGGCTAACCTCACGGAGCTGGTGCGGCAGCACAAGGCTGCCCAGGTCGCC-3'
Protein context (NP_003063.2, residues 547-567): DKRLAYLLQQ[Thr557=]DEYVANLTEL

ClinVar aggregate classification (germline): Likely benign. Review status: criteria provided, multiple submitters, no conflicts (2 of 4 stars). 2 submissions from 2 submitters: Likely benign (2). Last evaluated 2025-08-07.

Conditions:
Rhabdoid tumor predisposition syndrome 2 (RTPS2). Identifiers: Orphanet 231108, Orphanet 69077, MedGen C2750074, MONDO:0013224, OMIM 613325.

Submissions (2):

Labcorp Genetics (formerly Invitae), Labcorp
Classification: Likely benign for Rhabdoid tumor predisposition syndrome 2. Last evaluated: 2025-08-07. Review status: criteria provided, single submitter. Criteria: Invitae Variant Classification Sherloc (09022015). Collection method: clinical testing. Allele origin: germline.

CeGaT Center for Human Genetics Tuebingen
Classification: Likely benign. Last evaluated: 2025-08-01. Review status: criteria provided, single submitter. Criteria: CeGaT Center For Human Genetics Tuebingen Variant Classification Criteria Version 2. Collection method: clinical testing. Allele origin: germline. Affected: yes. Observed: 1 variant allele.
Comment: SMARCA4: PM2:Supporting, BP4, BP7